The following is an entry in ClinVar:

ClinVar aggregate classification (germline): Conflicting classifications of pathogenicity. Review status: criteria provided, conflicting classifications (1 of 4 stars). 3 submissions from 3 submitters: Uncertain significance (2); Likely benign (1). Last evaluated 2023-03-23.

Conditions:
Hereditary cancer-predisposing syndrome. Also called: Tumor predisposition; Hereditary Cancer Syndrome; Hereditary neoplastic syndrome; Neoplastic Syndromes, Hereditary. Identifiers: Orphanet 140162, MedGen C0027672, MeSH D009386, MONDO:0015356.
Hereditary breast ovarian cancer syndrome. Also called: Breast and ovarian cancer; Hereditary breast and ovarian cancer; Hereditary breast and/or ovarian cancer syndrome; BRCA1- and BRCA2-Associated Hereditary Breast and Ovarian Cancer; Hereditary breast and ovarian cancer syndrome (HBOC); Hereditary breast and ovarian cancer syndrome. Identifiers: Orphanet 145, MedGen C0677776, MeSH D061325, MONDO:0003582. Disease mechanism: loss of function.

Submissions (3):

University of Washington Department of Laboratory Medicine, University of Washington
Classification: Likely benign for Hereditary cancer-predisposing syndrome. Last evaluated: 2023-03-23. Review status: criteria provided, single submitter. Criteria: Dines et al. (Genet Med. 2020). Collection method: curation. Allele origin: germline.
Comment: Missense variant in a coldspot region where missense variants are very unlikely to be pathogenic (PMID:31911673).

BRCA2 exon 11 coldspot. Reclassification based on statistical prior probability.

Labcorp Genetics (formerly Invitae), Labcorp
Classification: Uncertain significance for Hereditary breast ovarian cancer syndrome. Last evaluated: 2020-10-08. Review status: criteria provided, single submitter. Criteria: Invitae Variant Classification Sherloc (09022015). Collection method: clinical testing. Allele origin: germline.
Comment: In summary, the available evidence is currently insufficient to determine the role of this variant in disease. Therefore, it has been classified as a Variant of Uncertain Significance. Advanced modeling of protein sequence and biophysical properties (such as structural, functional, and spatial information, amino acid conservation, physicochemical variation, residue mobility, and thermodynamic stability) performed at Invitae indicates that this missense variant is not expected to disrupt BRCA2 protein function. This variant has not been reported in the literature in individuals with BRCA2-related conditions. ClinVar contains an entry for this variant (Variation ID: 182216). This variant is not present in population databases (ExAC no frequency). This sequence change replaces lysine with glutamic acid at codon 1777 of the BRCA2 protein (p.Lys1777Glu). The lysine residue is weakly conserved and there is a small physicochemical difference between lysine and glutamic acid.

GeneDx
Classification: Uncertain significance. Last evaluated: 2014-07-26. Review status: criteria provided, single submitter. Criteria: GeneDx Variant Classification (06012015). Collection method: clinical testing. Allele origin: germline. Affected: yes.
Comment: This pathogenic variant is denoted BRCA2 c.5329A>G at the cDNA level, p.Lys1777Glu (K1777E) at the protein level, and results in the change of a Lysine to a Glutamic Acid (AAG>GAG). This variant has not, to our knowledge, been published in the literature as pathogenic or benign. BRCA2 Lys1777Glu was not observed in approximately 6,500 individuals of European and African American ancestry in the NHLBI Exome Sequencing Project, indicating it is not a common benign variant in these populations. Since Lysine and Glutamic Acid differ in polarity, charge, size or other properties, this is considered a non-conservative amino acid substitution. BRCA2 Lys1777Glu occurs at a position that is moderately conserved across species and is located in the region responsible for interacting with POLH. In silico analyses predict that this variant is unlikely to alter protein structure or function. Based on currently available information, it is unclear whether BRCA2 Lys1777Glu is pathogenic or benign. We consider it to be a variant of uncertain significance.

NM_000059.4(BRCA2):c.5329A>G (p.Lys1777Glu)

Gene: BRCA2 (BRCA2 DNA repair associated; plus strand). Cytogenetic location: 13q13.1.
Variant type: single nucleotide variant.
Coding change: c.5329A>G on transcript NM_000059.4 (MANE Select); coding-DNA position 5329, A replaced by G.
Protein change: p.Lys1777Glu; replaces lysine 1777 with glutamic acid.
Molecular consequence: missense variant.
Genome position (GRCh38, 1-based): chr13:32,339,684, A>G. VCF-style: chr13-32339684-A-G. GRCh37 (hg19) VCF-style: chr13-32913821-A-G.
Other names: p.K1777E:AAG>GAG; short protein forms K1777E.
Identifiers: ClinVar variation 182216 (VCV000182216.12), dbSNP rs730881537, ClinGen allele CA022021.
Genomic context (GRCh38, chr13:32,339,684, plus strand): 5'-TATAATGATTCAGGATATCTCTCAAAAAATAAACTTGATTCTGGTATTGAGCCAGTATTG[A>G]AGAATGTTGAAGATCAAAAAAACACTAGTTTTTCCAAAGTAATATCCAATGTAAAAGATG-3'
Protein context (NP_000050.3, residues 1767-1787): KLDSGIEPVL[Lys1777Glu]NVEDQKNTSF